The following is an entry in ClinVar:

NM_000548.5(TSC2):c.4658G>A (p.Gly1553Asp)

Gene: TSC2 (TSC complex subunit 2; plus strand). Cytogenetic location: 16p13.3.
Variant type: single nucleotide variant.
Coding change: c.4658G>A on transcript NM_000548.5 (MANE Select); coding-DNA position 4658, G replaced by A.
Protein change: p.Gly1553Asp; replaces glycine 1553 with aspartic acid.
Molecular consequence: missense variant.
Genome position (GRCh38, 1-based): chr16:2,085,318, G>A. VCF-style: chr16-2085318-G-A. GRCh37 (hg19) VCF-style: chr16-2135319-G-A.
Other names: c.4457G>A, p.Gly1486Asp (NM_001077183.3); c.4589G>A, p.Gly1530Asp (NM_001114382.3); c.4349G>A, p.Gly1450Asp (NM_001318827.2); c.4313G>A, p.Gly1438Asp (NM_001318829.2); c.3926G>A, p.Gly1309Asp (NM_001318831.2); c.4490G>A, p.Gly1497Asp (NM_001318832.2); c.4460G>A, p.Gly1487Asp (NM_001363528.2); c.4526G>A, p.Gly1509Asp (NM_001370404.1); and 1 more; short protein forms G1497D, G1509D, G1530D, G1438D, G1450D, G1486D, G1309D, G1553D.
Identifiers: ClinVar variation 953372 (VCV000953372.16), dbSNP rs2090634038, ClinGen allele CA394305086.

ClinVar aggregate classification (germline): Uncertain significance. Review status: criteria provided, multiple submitters, no conflicts (2 of 4 stars). 4 submissions from 4 submitters: Uncertain significance (4). Last evaluated 2025-12-09.

Conditions:
Tuberous sclerosis 2 (TSC2). Identifiers: Orphanet 805, MedGen C1860707, MONDO:0013199, OMIM 613254.

Allele frequency attached by ClinVar (database versions not stated): gnomAD exomes below 0.00001.
gnomAD v4.1: 1 of 1,612,640 alleles (0.000062%); highest among the groups gnomAD compares: Non-Finnish European, 0.000085%; no homozygotes.

Submissions (4):

Labcorp Genetics (formerly Invitae), Labcorp
Classification: Uncertain significance for Tuberous sclerosis 2. Last evaluated: 2025-12-09. Review status: criteria provided, single submitter. Criteria: Invitae Variant Classification Sherloc (09022015). Collection method: clinical testing. Allele origin: germline.
Comment: This sequence change replaces glycine, which is neutral and non-polar, with aspartic acid, which is acidic and polar, at codon 1553 of the TSC2 protein (p.Gly1553Asp). This variant is not present in population databases (gnomAD no frequency). This variant has not been reported in the literature in individuals affected with TSC2-related conditions. ClinVar contains an entry for this variant (Variation ID: 953372). Invitae Evidence Modeling of protein sequence and biophysical properties (such as structural, functional, and spatial information, amino acid conservation, physicochemical variation, residue mobility, and thermodynamic stability) has been performed for this missense variant. However, the output from this modeling did not meet the statistical confidence thresholds required to predict the impact of this variant on TSC2 protein function. In summary, the available evidence is currently insufficient to determine the role of this variant in disease. Therefore, it has been classified as a Variant of Uncertain Significance.

GeneDx
Classification: Uncertain significance. Last evaluated: 2022-01-28. Review status: criteria provided, single submitter. Criteria: GeneDx Variant Classification Process June 2021. Collection method: clinical testing. Allele origin: germline. Affected: yes.
Comment: Has not been previously published as pathogenic or benign to our knowledge; Not observed in large population cohorts (gnomAD); In silico analysis supports that this missense variant has a deleterious effect on protein structure/function; This variant is associated with the following publications: (PMID: 18466115)

Genome-Nilou Lab
Classification: Uncertain significance for Tuberous sclerosis 2. Last evaluated: 2021-11-07. Review status: criteria provided, single submitter. Criteria: ACMG Guidelines, 2015. Collection method: clinical testing. Allele origin: germline. Affected: no.

Blueprint Genetics
Classification: Uncertain significance. Last evaluated: 2020-09-12. Review status: criteria provided, single submitter. Criteria: ACMG Guidelines, 2015. Collection method: clinical testing. Allele origin: germline.